The following is an entry in ClinVar:

ClinVar aggregate classification (germline): Uncertain significance (1 of 4 stars; one submission).

Submission:

Labcorp Genetics (formerly Invitae), Labcorp
Classification: Uncertain significance. Last evaluated: 2022-08-22. Review status: criteria provided, single submitter. Criteria: Invitae Variant Classification Sherloc (09022015). Collection method: clinical testing. Allele origin: germline.
Comment: In summary, the available evidence is currently insufficient to determine the role of this variant in disease. Therefore, it has been classified as a Variant of Uncertain Significance. Algorithms developed to predict the effect of missense changes on protein structure and function are either unavailable or do not agree on the potential impact of this missense change (SIFT: "Deleterious"; PolyPhen-2: "Probably Damaging"; Align-GVGD: "Class C0"). This variant has not been reported in the literature in individuals affected with SAMD9-related conditions. This variant is not present in population databases (gnomAD no frequency). This sequence change replaces leucine, which is neutral and non-polar, with histidine, which is basic and polar, at codon 797 of the SAMD9 protein (p.Leu797His).

NM_017654.4(SAMD9):c.2390T>A (p.Leu797His)

Gene: SAMD9 (sterile alpha motif domain containing 9; minus strand). Cytogenetic location: 7q21.2.
Variant type: single nucleotide variant.
Coding change: c.2390T>A on transcript NM_017654.4 (MANE Select); coding-DNA position 2390, T replaced by A.
Protein change: p.Leu797His; replaces leucine 797 with histidine.
Molecular consequence: missense variant.
Genome position (GRCh38, 1-based): chr7:93,103,708, A>T on the plus strand (T>A on the coding strand, the complement: SAMD9 is on the minus strand). VCF-style: chr7-93103708-A-T. GRCh37 (hg19) VCF-style: chr7-92733021-A-T.
Other names: c.2390T>A, p.Leu797His (NM_001193307.2); short protein forms L797H.
Identifiers: ClinVar variation 1717275 (VCV001717275.5), dbSNP rs2535358355, ClinGen allele CA368190860.